The following is an entry in ClinVar:

NM_001371623.1(TCOF1):c.1185_1201del (p.Ala397fs)

Gene: TCOF1 (treacle ribosome biogenesis factor 1; plus strand). Cytogenetic location: 5q32.
Variant type: Deletion.
Coding change: c.1185_1201del on transcript NM_001371623.1 (MANE Select); coding-DNA positions 1185 to 1201, 17 bases deleted (GCCTGCAGTTGCCAAGG).
Protein change: p.Ala397fs; shifts the reading frame from alanine 397.
Molecular consequence: frameshift variant.
Genome position (GRCh38, 1-based): chr5:150,374,718-150,374,734, GCCTGCAGTTGCCAAGG deleted; deleting any 17 consecutive bases within chr5:150,374,715-150,374,734 gives the same sequence; the c. name uses the placement nearest the transcript's 3' end. VCF-style (leftmost placement, unchanged base first): chr5-150374714-CAGGGCCTGCAGTTGCCA-C. GRCh37 (hg19) VCF-style: chr5-149754277-CAGGGCCTGCAGTTGCCA-C.
Other names: c.954_970del, p.Ala320fs (NM_000356.4, NM_001135245.2, NM_001437406.1); c.1185_1201del, p.Ala397fs (NM_001008657.3, NM_001135243.2, NM_001135244.2 and 1 more transcripts); short protein forms A320fs, A397fs.
Identifiers: ClinVar variation 4997922 (VCV004997922.1).

ClinVar aggregate classification (germline): Likely pathogenic (1 of 4 stars; one submission).

Conditions:
TCOF1-related disorder. Also called: TCOF1-related condition.

Submission:

PreventionGenetics, part of Exact Sciences
Classification: Likely pathogenic for TCOF1-related condition. Last evaluated: 2024-11-25. Review status: criteria provided, single submitter. Criteria: ACMG Guidelines, 2015. Collection method: clinical testing. Allele origin: germline.
Comment: The TCOF1 c.1185_1201del17 variant is predicted to result in a frameshift and premature protein termination (p.Ala397Glyfs*18). To our knowledge, this variant has not been reported in the literature or in a large population database (gnomAD), indicating this variant is rare. Frameshift variants in TCOF1 are expected to be pathogenic. This variant is interpreted as likely pathogenic.